The following is an entry in ClinVar:

ClinVar aggregate classification (germline): Pathogenic. Review status: criteria provided, multiple submitters, no conflicts (2 of 4 stars). 2 submissions from 2 submitters: Pathogenic (2). Last evaluated 2025-07-26.

Conditions:
Rare disease with autism. Identifiers: Orphanet 180772, MedGen C5680471, MONDO:0015878.
Autism spectrum disorder. Also called: Autism spectrum disorders. Identifiers: MedGen C1510586, MeSH D000067877, MONDO:0005258.

Submissions (2):

GeneDx
Classification: Pathogenic. Last evaluated: 2025-07-26. Review status: criteria provided, single submitter. Criteria: GeneDx Variant Classification Process June 2021. Collection method: clinical testing. Allele origin: germline.
Comment: Not observed at significant frequency in large population cohorts (gnomAD); Has not been previously published as pathogenic or benign to our knowledge; Nonsense variant predicted to result in protein truncation or nonsense mediated decay in a gene for which loss of function is a known mechanism of disease

Genetics Laboratory, UDIAT-Centre Diagnòstic, Hospital Universitari Parc Tauli
Classification: Pathogenic for Rare disease with autism. Last evaluated: 2022-10-04. Review status: criteria provided, single submitter. Criteria: Parc Tauli Hospital Assertion Criteria 2021. Collection method: clinical testing. Allele origin: de novo. Inheritance: Autosomal dominant inheritance. Affected: yes.
Comment: PVS1;PM2_supporting;PM6

NM_012309.5(SHANK2):c.1924C>T (p.Arg642Ter)

Gene: SHANK2 (SH3 and multiple ankyrin repeat domains 2; minus strand). Cytogenetic location: 11q13.4.
Variant type: single nucleotide variant.
Coding change: c.1924C>T on transcript NM_012309.5 (MANE Select); coding-DNA position 1924, C replaced by T.
Protein change: p.Arg642Ter; replaces arginine 642 with a stop codon.
Molecular consequence: nonsense. On other transcripts: non-coding transcript variant (1).
Genome position (GRCh38, 1-based): chr11:70,661,608, G>A on the plus strand (C>T on the coding strand, the complement: SHANK2 is on the minus strand). VCF-style: chr11-70661608-G-A. GRCh37 (hg19) VCF-style: chr11-70507713-G-A.
Other names: c.787C>T, p.Arg263Ter (NM_001379226.1); c.160C>T, p.Arg54Ter (NM_133266.5); short protein forms R263*, R54*, R642*.
Identifiers: ClinVar variation 1339926 (VCV001339926.5), dbSNP rs2134275196, ClinGen allele CA381957360.